The following is an entry in ClinVar:

NM_019032.6(ADAMTSL4):c.2309C>T (p.Pro770Leu)

Gene: ADAMTSL4 (ADAMTS like 4; plus strand). Cytogenetic location: 1q21.2.
Variant type: single nucleotide variant.
Coding change: c.2309C>T on transcript NM_019032.6 (MANE Select); coding-DNA position 2309, C replaced by T.
Protein change: p.Pro770Leu; replaces proline 770 with leucine.
Molecular consequence: missense variant.
Genome position (GRCh38, 1-based): chr1:150,558,076, C>T. VCF-style: chr1-150558076-C-T. GRCh37 (hg19) VCF-style: chr1-150530552-C-T.
Other names: c.2192C>T, p.Pro731Leu (NM_001288607.2); c.2378C>T, p.Pro793Leu (NM_001288608.2); c.2309C>T, p.Pro770Leu (NM_001378596.1, NM_025008.5); c.2309C>T (NM_019032.4); short protein forms P731L, P770L, P793L.
Identifiers: ClinVar variation 1401064 (VCV001401064.4), dbSNP rs1672387032, ClinGen allele CA342314857.

ClinVar aggregate classification (germline): Uncertain significance. Review status: criteria provided, multiple submitters, no conflicts (2 of 4 stars). 2 submissions from 2 submitters: Uncertain significance (2). Last evaluated 2023-12-17.

Conditions:
Inborn genetic diseases. Identifiers: MedGen C0950123, MeSH D030342.

Allele frequency attached by ClinVar (database versions not stated): TOPMed 0.00001.
gnomAD v4.1: 3 of 1,613,222 alleles (0.00019%); highest among the groups gnomAD compares: Non-Finnish European, 0.00025%; no homozygotes.

Submissions (2):

Ambry Genetics
Classification: Uncertain significance for Inborn genetic diseases. Last evaluated: 2023-12-17. Review status: criteria provided, single submitter. Criteria: Ambry Variant Classification Scheme 2023. Collection method: clinical testing. Allele origin: germline.

Labcorp Genetics (formerly Invitae), Labcorp
Classification: Uncertain significance. Last evaluated: 2021-11-13. Review status: criteria provided, single submitter. Criteria: Invitae Variant Classification Sherloc (09022015). Collection method: clinical testing. Allele origin: germline.
Comment: This sequence change replaces proline, which is neutral and non-polar, with leucine, which is neutral and non-polar, at codon 770 of the ADAMTSL4 protein (p.Pro770Leu). This variant is not present in population databases (gnomAD no frequency). This variant has not been reported in the literature in individuals affected with ADAMTSL4-related conditions. Algorithms developed to predict the effect of missense changes on protein structure and function (SIFT, PolyPhen-2, Align-GVGD) all suggest that this variant is likely to be disruptive. In summary, the available evidence is currently insufficient to determine the role of this variant in disease. Therefore, it has been classified as a Variant of Uncertain Significance.